The following is an entry in ClinVar:

ClinVar aggregate classification (germline): Uncertain significance (1 of 4 stars; one submission).

Conditions:
Combined immunodeficiency due to LRBA deficiency. Also called: Common variable immunodeficiency 8, with autoimmunity. Identifiers: Orphanet 445018, MedGen C3553512, MONDO:0013863, OMIM 614700.

Allele frequency attached by ClinVar (database versions not stated): ExAC 0.00007; gnomAD 0.00007 and 0.00006; gnomAD exomes 0.00008 and 0.00006; TOPMed 0.00006; 1000 Genomes Project 0.00040; 1000 Genomes Project 30x 0.00047.
gnomAD v4.1: 119 of 1,613,810 alleles (0.0074%); highest among the groups gnomAD compares: Admixed American, 0.03%; no homozygotes.

Submission:

Labcorp Genetics (formerly Invitae), Labcorp
Classification: Uncertain significance for Combined immunodeficiency due to LRBA deficiency. Last evaluated: 2022-08-31. Review status: criteria provided, single submitter. Criteria: Invitae Variant Classification Sherloc (09022015). Collection method: clinical testing. Allele origin: germline.
Comment: This sequence change replaces serine, which is neutral and polar, with phenylalanine, which is neutral and non-polar, at codon 1062 of the LRBA protein (p.Ser1062Phe). This variant is present in population databases (rs201272489, gnomAD 0.02%). This variant has not been reported in the literature in individuals affected with LRBA-related conditions. ClinVar contains an entry for this variant (Variation ID: 841333). Algorithms developed to predict the effect of missense changes on protein structure and function (SIFT, PolyPhen-2, Align-GVGD) all suggest that this variant is likely to be tolerated. In summary, the available evidence is currently insufficient to determine the role of this variant in disease. Therefore, it has been classified as a Variant of Uncertain Significance.

NM_001364905.1(LRBA):c.3185C>T (p.Ser1062Phe)

Gene: LRBA (LPS responsive beige-like anchor protein; minus strand). Cytogenetic location: 4q31.3.
Variant type: single nucleotide variant.
Coding change: c.3185C>T on transcript NM_001364905.1 (MANE Select); coding-DNA position 3185, C replaced by T.
Protein change: p.Ser1062Phe; replaces serine 1062 with phenylalanine.
Molecular consequence: missense variant.
Genome position (GRCh38, 1-based): chr4:150,852,525, G>A on the plus strand (C>T on the coding strand, the complement: LRBA is on the minus strand). VCF-style: chr4-150852525-G-A. GRCh37 (hg19) VCF-style: chr4-151773677-G-A.
Other names: c.3185C>T, p.Ser1062Phe (NM_001199282.3, NM_001367550.1, NM_006726.5); short protein forms S1062F.
Identifiers: ClinVar variation 841333 (VCV000841333.7), dbSNP rs201272489, ClinGen allele CA3103084.
Genomic context (GRCh38, chr4:150,852,525, plus strand): 5'-ATAGAAGCAGTTACTTCACTGACAGTCATTGAATCTTTGCCAGTTGTTATAAAAGAATTA[G>A]AGGAAATAGCCACAGCTTCTATTATGTCAGAAGATACTTCTAAATCATCTGCATTCCTTG-3'
Protein context (NP_001351834.1, residues 1052-1072): SDIIEAVAIS[Ser1062Phe]NSFITTGKDS